The following is an entry in ClinVar:

ClinVar aggregate classification (germline): Likely pathogenic (0 of 4 stars; one submission).

Conditions:
X-linked severe combined immunodeficiency (SCIDX1). Also called: IMMUNODEFICIENCY 4; SCID, X-LINKED; SEVERE COMBINED IMMUNODEFICIENCY, X-LINKED, T CELL-NEGATIVE, B CELL-POSITIVE, NK CELL-NEGATIVE; T-B+ severe combined immunodeficiency due to gamma chain deficiency; X-Linked Combined Immunodeficiency Diseases. Identifiers: Orphanet 276, MedGen C6022468, MONDO:0010315, OMIM 300400. Disease mechanism: loss of function.

Submission:

Foundation for Research in Genetics and Endocrinology, FRIGE's Institute of Human Genetics
Classification: Likely pathogenic for X-linked severe combined immunodeficiency. Last evaluated: 2016-06-08. Review status: no assertion criteria provided. Collection method: research. Allele origin: germline. Inheritance: X-linked recessive inheritance. Affected: yes. Observed: 1 variant allele, 1 hemizygote.
Comment: Variant c.47T>C found to be pathogenic by online software Mutation Taster, Polyphen-2, LRT, SIFT.

NM_000206.3(IL2RG):c.47T>C (p.Leu16Pro)

Genes: IL2RG (interleukin 2 receptor subunit gamma; minus strand), LOC126863274 (MED14-independent group 3 enhancer GRCh37_chrX:70330888-70332087; plus strand). Cytogenetic location: Xq13.1.
Variant type: single nucleotide variant.
Coding change: c.47T>C on transcript NM_000206.3 (MANE Select); coding-DNA position 47, T replaced by C.
Protein change: p.Leu16Pro; replaces leucine 16 with proline.
Molecular consequence: missense variant.
Genome position (GRCh38, 1-based): chrX:71,111,493, A>G on the plus strand (T>C on the coding strand, the complement: IL2RG is on the minus strand). VCF-style: chrX-71111493-A-G. GRCh37 (hg19) VCF-style: chrX-70331343-A-G.
Other names: short protein forms L16P.
Identifiers: ClinVar variation 242905 (VCV000242905.2), dbSNP rs879253742, ClinGen allele CA10584017.